The following is an entry in ClinVar:

ClinVar aggregate classification (germline): Pathogenic/Likely pathogenic. Review status: criteria provided, multiple submitters, no conflicts (2 of 4 stars). 18 submissions from 18 submitters: Pathogenic (15); Likely pathogenic (2). 1 of the submissions does not count toward it. Last evaluated 2026-01-28.

Conditions:
DHCR7-related disorder. Also called: DHCR7-related condition.
Inborn genetic diseases. Identifiers: MedGen C0950123, MeSH D030342.
Smith-Lemli-Opitz syndrome (SLOS). Also called: 7-Dehydrocholesterol reductase deficiency; LETHAL ACRODYSGENITAL SYNDROME; POLYDACTYLY, SEX REVERSAL, RENAL HYPOPLASIA, AND UNILOBAR LUNG; RSH SYNDROME; RUTLEDGE LETHAL MULTIPLE CONGENITAL ANOMALY SYNDROME. Identifiers: Orphanet 818, MedGen C0175694, MONDO:0010035, OMIM 270400.

Allele frequency attached by ClinVar (database versions not stated): TOPMed 0.00016; gnomAD exomes 0.00019 and 0.00010; ExAC 0.00008; gnomAD 0.00012 and 0.00015; ESP Exome Variant Server 0.00015.
gnomAD v4.1: 309 of 1,613,974 alleles (0.019%); highest among the groups gnomAD compares: Non-Finnish European, 0.024%; no homozygotes.

Submissions 1 to 10 of 18:

Labcorp Genetics (formerly Invitae), Labcorp
Classification: Pathogenic for Smith-Lemli-Opitz syndrome. Last evaluated: 2026-01-28. Review status: criteria provided, single submitter. Criteria: Invitae Variant Classification Sherloc (09022015). Collection method: clinical testing. Allele origin: germline.
Comment: This sequence change replaces arginine, which is basic and polar, with cysteine, which is neutral and slightly polar, at codon 242 of the DHCR7 protein (p.Arg242Cys). This variant is present in population databases (rs80338856, gnomAD 0.02%). This missense change has been observed in individuals with Smith-Lemli-Opitz syndrome (PMID: 10405455, 10677299, 10995508, 15464432, 15954111, 26969503). ClinVar contains an entry for this variant (Variation ID: 21275). Invitae Evidence Modeling of protein sequence and biophysical properties (such as structural, functional, and spatial information, amino acid conservation, physicochemical variation, residue mobility, and thermodynamic stability) indicates that this missense variant is expected to disrupt DHCR7 protein function with a positive predictive value of 95%. Experimental studies have shown that this missense change affects DHCR7 function (PMID: 15464432). This variant disrupts the p.Arg242 amino acid residue in DHCR7. Other variant(s) that disrupt this residue have been determined to be pathogenic (PMID: 10995508, 11427181, 12818773, 15776424, 16044199). This suggests that this residue is clinically significant, and that variants that disrupt this residue are likely to be disease-causing. For these reasons, this variant has been classified as Pathogenic.

GeneDx
Classification: Pathogenic. Last evaluated: 2025-12-07. Review status: criteria provided, single submitter. Criteria: GeneDx Variant Classification Process June 2021. Collection method: clinical testing. Allele origin: germline. Affected: yes.
Comment: In silico analysis supports that this missense variant has a deleterious effect on protein structure/function; This variant is associated with the following publications: (PMID: 26969503, 22975760, 28166604, 27415407, 11175299, 10677299, 16207203, 12070263, 10405455, 10995508, 27401223, 23042628, 15464432, 15954111, 28250423, 30609409, 31589614, 34308104, 37924809)

Natera, Inc.
Classification: Pathogenic for Smith-Lemli-Opitz syndrome. Last evaluated: 2025-11-10. Review status: criteria provided, single submitter. Criteria: Natera Variant Classification Schema (03/2026). Collection method: clinical testing. Allele origin: germline.
Comment: The c.724C>T variant in DHCR7 is a missense variant predicted to cause substitution of arginine to cysteine at amino acid 242. This variant is rare in the general population with a frequency below the threshold expected for the associated phenotype(s). This variant has been observed in one or more individuals affected with the associated recessive disease, as either homozygous or compound heterozygous with a second variant (PMID: 15896653, 24500076, 26969503). Additionally, this variant has been observed to segregate in affected family members (PMID: 15896653). Functional studies show that this variant may disrupt protein function (PMID: 10677299). Computational prediction algorithms indicate this variant is likely to affect gene or protein function. Given the available evidence, this variant is classified as Pathogenic.

PreventionGenetics, part of Exact Sciences
Classification: Pathogenic for DHCR7-related condition. Last evaluated: 2025-08-05. Review status: criteria provided, single submitter. Criteria: ACMG Guidelines, 2015. Collection method: clinical testing. Allele origin: germline.
Comment: The DHCR7 c.724C>T variant is predicted to result in the amino acid substitution p.Arg242Cys. This variant has been reported in multiple Smith-Lemli-Opitz syndrome (SLOS) patients (e.g., Neklason et al. 1999. PubMed ID: 10405455; Krakowiak et al. 2000. PubMed ID: 10995508; Witsch-Baumgartner et al. 2001. PubMed ID: 11175299; Tucci et al. 2016. PubMed ID: 26969503). The p.Arg242 amino acid is found in the 5th membrane-associated helix of the DHCR7 protein (Waterham and Hennekam. 2012. PubMed ID: 23042628) and the p.Arg242Cys amino acid substitution has resulted in decreased enzyme activity in experimental studies (Witsch-Baumgartner et al. 2000. PubMed ID: 10677299). In addition, a different substitution at the same location has also been reported in SLOS patients (e.g., Krakowiak et al. 2000. PubMed ID: 10995508). This variant is reported in 0.016% of alleles in individuals of African descent in gnomAD. Based on these observations, we classify the c.724C>T (p.Arg242Cys) variant as pathogenic.

Mayo Clinic Laboratories, Mayo Clinic
Classification: Pathogenic. Last evaluated: 2024-12-23. Review status: criteria provided, single submitter. Criteria: ACMG Guidelines, 2015. Collection method: clinical testing. Allele origin: germline. Observed: 1 variant allele.
Comment: PP3_strong, PP4, PM2_supporting, PM3_supporting, PS3, PS4_moderate

ARUP Laboratories, Molecular Genetics and Genomics, ARUP Laboratories
Classification: Pathogenic for Smith-Lemli-Opitz syndrome. Last evaluated: 2024-05-21. Review status: criteria provided, single submitter. Criteria: ARUP Molecular Germline Variant Investigation Process 2024. Collection method: clinical testing. Allele origin: germline.
Comment: The DHCR7 c.724C>T; p.Arg242Cys variant (rs80338856; ClinVar ID: 21275) is reported in the literature in multiple individuals affected with Smith-Lemli-Opitz syndrome, many of whom carry an additional pathogenic DHCR7 variant (Boland 2016, Correa-Cerro 2005, Ginat 2004, Neklason 1999, Tucci 2016, Waye 2005). This variant is found in the general population with an overall allele frequency of 0.01% (27/282,746 alleles) in the Genome Aggregation Database (v2.1.1). Computational analyses predict that this variant is deleterious (REVEL: 0.951). The p.Arg242Cys variant occurs in transmembrane domain 5 where multiple other pathogenic variants occur (Correa-Cerro 2005), and patient cells with the p.Arg242Cys variant exhibit reduced enzymatic activity (Ginat 2004, Neklason 1999). Based on available information, this variant is considered to be pathogenic. References: Boland MR and Tatonetti NP. Investigation of 7-dehydrocholesterol reductase pathway to elucidate off-target prenatal effects of pharmaceuticals: a systematic review. Pharmacogenomics J. 2016 Oct;16(5):411-29. PMID: 27401223. Correa-Cerro LS and Porter FD. 3beta-hydroxysterol Delta7-reductase and the Smith-Lemli-Opitz syndrome. Mol Genet Metab. 2005 Feb;84(2):112-26. PMID: 15670717. Ginat S et al. Lowered DHCR7 activity measured by ergosterol conversion in multiple cell types in Smith-Lemli-Opitz syndrome. Mol Genet Metab. 2004 Sep-Oct;83(1-2):175-83. PMID: 15464432. Neklason DW et al. Biochemical variants of Smith-Lemli-Opitz syndrome. Am J Med Genet. 1999 Aug 27;85(5):517-23. PMID: 10405455. Tucci A et al. The p.Phe174Ser mutation is associated with mild forms of Smith Lemli Opitz Syndrome. BMC Med Genet. 2016 Mar 11;17:22. PMID: 26969503. Waye JS et al. Identification of nine novel DHCR7 missense mutations in patients with Smith-Lemli-Opitz syndrome (SLOS). Hum Mutat. 2005 Jul;26(1):59. PMID: 15954111.

Laboratory of Medical Genetics, National & Kapodistrian University of Athens
Classification: Pathogenic for Smith-Lemli-Opitz syndrome. Last evaluated: 2024-02-01. Review status: criteria provided, single submitter. Criteria: ACMG Guidelines, 2015. Collection method: curation. Allele origin: germline. Affected: no.

Blueprint Genetics
Classification: Pathogenic for DHCR7-related disorders. Last evaluated: 2024-01-29. Review status: criteria provided, single submitter. Criteria: ACMG Guidelines, 2015. Collection method: clinical testing. Allele origin: germline. Affected: yes. Observed: 3 variant alleles.

Department of Pathology and Laboratory Medicine, Sinai Health System
Classification: Pathogenic for Smith-Lemli-Opitz syndrome. Last evaluated: 2023-03-06. Review status: criteria provided, single submitter. Criteria: ACMG Guidelines, 2015. Collection method: research. Allele origin: germline.

Ambry Genetics
Classification: Pathogenic for Inborn genetic diseases. Last evaluated: 2021-08-19. Review status: criteria provided, single submitter. Criteria: Ambry Variant Classification Scheme 2023. Collection method: clinical testing. Allele origin: germline.
Comment: The c.724C>T (p.R242C) alteration is located in exon 7 (coding exon 5) of the DHCR7 gene. This alteration results from a C to T substitution at nucleotide position 724, causing the arginine (R) at amino acid position 242 to be replaced by a cysteine (C). Based on data from gnomAD, the T allele has an overall frequency of 0.01% (27/282746) total alleles studied. The highest observed frequency was 0.02% (4/24962) of African alleles. This mutation was identified in multiple individuals with Smith-Lemli-Opitz syndrome (SLOS) (Neklason, 1999; Krakowiak, 2000; Ginat, 2004; Waye, 2005; Tucci, 2016; Saskin, 2017). This amino acid position is highly conserved in available vertebrate species. Enzyme activity in a cell line from an individual with SLOS with this mutation demonstrated reduced activity (Ginat, 2004). This alteration is predicted to be deleterious by in silico analysis. Based on the available evidence, this alteration is classified as pathogenic.

NM_001360.3(DHCR7):c.724C>T (p.Arg242Cys)

Gene: DHCR7 (7-dehydrocholesterol reductase; minus strand). Cytogenetic location: 11q13.4.
Variant type: single nucleotide variant.
Coding change: c.724C>T on transcript NM_001360.3 (MANE Select); coding-DNA position 724, C replaced by T.
Protein change: p.Arg242Cys; replaces arginine 242 with cysteine.
Molecular consequence: missense variant.
Genome position (GRCh38, 1-based): chr11:71,438,986, G>A on the plus strand (C>T on the coding strand, the complement: DHCR7 is on the minus strand). VCF-style: chr11-71438986-G-A. GRCh37 (hg19) VCF-style: chr11-71150032-G-A.
Other names: c.724C>T, p.Arg242Cys (NM_001163817.2); short protein forms R242C.
Identifiers: ClinVar variation 21275 (VCV000021275.50), dbSNP rs80338856, ClinGen allele CA341827.